The following is an entry in ClinVar:

ClinVar aggregate classification (germline): Conflicting classifications of pathogenicity. Review status: criteria provided, conflicting classifications (1 of 4 stars). 8 submissions from 8 submitters: Likely pathogenic (3); Uncertain significance (4). 1 of the submissions does not count toward it. Last evaluated 2026-08-14.

Conditions:
Combined oxidative phosphorylation defect type 21. Also called: Combined oxidative phosphorylation deficiency 21. Identifiers: Orphanet 420733, MedGen C4706316, MONDO:0014398, OMIM 615918.

Allele frequency attached by ClinVar (database versions not stated): 1000 Genomes Project 30x 0.00016; 1000 Genomes Project 0.00020; ExAC 0.00023; ESP Exome Variant Server 0.00023; gnomAD 0.00027 and 0.00028; gnomAD exomes 0.00027; TOPMed 0.00037.
gnomAD v4.1: 425 of 1,612,564 alleles (0.026%); highest among the groups gnomAD compares: Admixed American, 0.047%; no homozygotes.

Submissions (8):

GeneDx
Classification: Likely pathogenic. Last evaluated: 2026-08-14. Review status: criteria provided, single submitter. Criteria: GeneDx Variant Classification Process June 2021. Collection method: clinical testing. Allele origin: germline.
Comment: Published functional studies suggest a damaging effect (PMID: 34508595); In silico analysis supports that this missense variant has a deleterious effect on protein structure/function; In silico analysis is inconclusive as to whether the variant alters gene splicing. In the absence of RNA/functional studies, the actual effect of this sequence change is unknown.; This variant is associated with the following publications: (PMID: 37454282, 36218002, 37669377, 34508595)

Greenwood Genetic Center Diagnostic Laboratories, Greenwood Genetic Center
Classification: Likely pathogenic for Combined oxidative phosphorylation defect type 21. Last evaluated: 2025-12-17. Review status: criteria provided, single submitter. Criteria: ACMG Guidelines, 2015. Collection method: clinical testing. Allele origin: germline. Affected: yes.
Comment: PS3, PM3

First Genomix Gene Laboratory, Genetic Diagnostics Department
Classification: Likely pathogenic for Combined oxidative phosphorylation defect type 21. Last evaluated: 2025-09-15. Review status: criteria provided, single submitter. Criteria: ACMG Guidelines, 2015. Collection method: clinical testing. Allele origin: germline. Inheritance: Autosomal recessive inheritance. Affected: no. Observed: 1 variant allele.

Labcorp Genetics (formerly Invitae), Labcorp
Classification: Uncertain significance. Last evaluated: 2024-10-24. Review status: criteria provided, single submitter. Criteria: Invitae Variant Classification Sherloc (09022015). Collection method: clinical testing. Allele origin: germline.
Comment: This sequence change replaces arginine, which is basic and polar, with tryptophan, which is neutral and slightly polar, at codon 452 of the TARS2 protein (p.Arg452Trp). This variant is present in population databases (rs146503501, gnomAD 0.06%). This missense change has been observed in individual(s) with clinical features of TARS2-related conditions (PMID: 34508595). ClinVar contains an entry for this variant (Variation ID: 870782). Invitae Evidence Modeling of protein sequence and biophysical properties (such as structural, functional, and spatial information, amino acid conservation, physicochemical variation, residue mobility, and thermodynamic stability) indicates that this missense variant is not expected to disrupt TARS2 protein function with a negative predictive value of 80%. Experimental studies have shown that this missense change affects TARS2 function (PMID: 34508595). Algorithms developed to predict the effect of sequence changes on RNA splicing suggest that this variant may disrupt the consensus splice site. In summary, the available evidence is currently insufficient to determine the role of this variant in disease. Therefore, it has been classified as a Variant of Uncertain Significance.

Department of Pathology and Laboratory Medicine, Sinai Health System
Classification: Uncertain significance for Combined oxidative phosphorylation defect type 21. Last evaluated: 2022-01-25. Review status: criteria provided, single submitter. Criteria: ACMG Guidelines, 2015. Collection method: research. Allele origin: germline.

CeGaT Center for Human Genetics Tuebingen
Classification: Uncertain significance. Last evaluated: 2019-09-01. Review status: criteria provided, single submitter. Criteria: CeGaT Center For Human Genetics Tuebingen Variant Classification Criteria Version 2. Collection method: clinical testing. Allele origin: germline. Affected: yes. Observed: 1 variant allele.

Baylor Genetics
Classification: Uncertain significance for Combined oxidative phosphorylation defect type 21. Last evaluated: 2018-01-17. Review status: criteria provided, single submitter. Criteria: ACMG Guidelines, 2015. Collection method: clinical testing. Allele origin: maternal. Affected: yes.
Comment: This variant was determined to be of uncertain significance according to ACMG Guidelines, 2015 [PMID:25741868].

Department of Clinical Genetics, Copenhagen University Hospital, Rigshospitalet
Classification: Likely pathogenic for Combined oxidative phosphorylation defect type 21. Review status: no assertion criteria provided. Collection method: clinical testing. Allele origin: inherited. Affected: yes. Not counted in ClinVar's aggregate classification.

Literature cited by the submitters: PubMed 34508595 (cited by Labcorp Genetics (formerly Invitae), Labcorp).

NM_025150.5(TARS2):c.1354C>T (p.Arg452Trp)

Gene: TARS2 (threonyl-tRNA synthetase 2, mitochondrial; plus strand). Cytogenetic location: 1q21.2.
Variant type: single nucleotide variant.
Coding change: c.1354C>T on transcript NM_025150.5 (MANE Select); coding-DNA position 1354, C replaced by T.
Protein change: p.Arg452Trp; replaces arginine 452 with tryptophan.
Molecular consequence: missense variant. On other transcripts: non-coding transcript variant (2).
Genome position (GRCh38, 1-based): chr1:150,498,617, C>T. VCF-style: chr1-150498617-C-T. GRCh37 (hg19) VCF-style: chr1-150471093-C-T.
Other names: c.1108C>T, p.Arg370Trp (NM_001271895.2); c.964C>T, p.Arg322Trp (NM_001271896.2); short protein forms R370W, R452W, R322W.
Identifiers: ClinVar variation 870782 (VCV000870782.54), dbSNP rs146503501, ClinGen allele CA1076988.